The following is an entry in ClinVar:

ClinVar aggregate classification (germline): Uncertain significance (1 of 4 stars; one submission).

Conditions:
Hereditary cancer-predisposing syndrome. Also called: Hereditary Cancer Syndrome; Hereditary neoplastic syndrome; Neoplastic Syndromes, Hereditary; Tumor predisposition. Identifiers: Orphanet 140162, MedGen C0027672, MeSH D009386, MONDO:0015356.

Submission:

Ambry Genetics
Classification: Uncertain significance for Hereditary cancer-predisposing syndrome. Last evaluated: 2020-05-06. Review status: criteria provided, single submitter. Criteria: Ambry Variant Classification Scheme 2023. Collection method: clinical testing. Allele origin: germline.
Comment: The p.S1480C variant (also known as c.4439C>G), located in coding exon 12 of the BRCA1 gene, results from a C to G substitution at nucleotide position 4439. The serine at codon 1480 is replaced by cysteine, an amino acid with dissimilar properties. This amino acid position is not well conserved in available vertebrate species. In addition, this alteration is predicted to be tolerated by in silico analysis. Since supporting evidence is limited at this time, the clinical significance of this alteration remains unclear.

NM_007294.4(BRCA1):c.4439C>G (p.Ser1480Cys)

Gene: BRCA1 (BRCA1 DNA repair associated; minus strand). Cytogenetic location: 17q21.31.
Variant type: single nucleotide variant.
Coding change: c.4439C>G on transcript NM_007294.4 (MANE Select); coding-DNA position 4439, C replaced by G.
Protein change: p.Ser1480Cys; replaces serine 1480 with cysteine.
Molecular consequence: missense variant. On other transcripts: non-coding transcript variant (1).
Genome position (GRCh38, 1-based): chr17:43,076,533, G>C on the plus strand (C>G on the coding strand, the complement: BRCA1 is on the minus strand). VCF-style: chr17-43076533-G-C. GRCh37 (hg19) VCF-style: chr17-41228550-G-C.
Other names: c.1049C>G, p.Ser350Cys (NM_001408412.1, NM_001408413.1, NM_001408414.1 and 2 more transcripts); c.1118C>G, p.Ser373Cys (NM_001408409.1); c.1055C>G, p.Ser352Cys (NM_001408410.1); c.1052C>G, p.Ser351Cys (NM_001408411.1); c.4229C>G, p.Ser1410Cys (NM_001407887.1, NM_001407889.1, NM_001407879.1 and 5 more transcripts); c.4226C>G, p.Ser1409Cys (NM_001407894.1, NM_001407895.1, NM_001407896.1 and 12 more transcripts); c.4223C>G, p.Ser1408Cys (NM_001407915.1, NM_001407916.1, NM_001407917.1 and 1 more transcripts); c.4316C>G, p.Ser1439Cys (NM_001407919.1, NM_001407937.1, NM_001407938.1 and 6 more transcripts); and 68 more; short protein forms S1183C, S1311C, S1351C, S1352C, S1369C, S1409C, S1413C, S1436C.
Identifiers: ClinVar variation 1740602 (VCV001740602.2), dbSNP rs781746476, ClinGen allele CA10592656.